The following is an entry in ClinVar:

NM_002907.4(RECQL):c.365G>A (p.Cys122Tyr)

Gene: RECQL (RecQ like helicase; minus strand). Cytogenetic location: 12p12.1.
Variant type: single nucleotide variant.
Coding change: c.365G>A on transcript NM_002907.4 (MANE Select); coding-DNA position 365, G replaced by A.
Protein change: p.Cys122Tyr; replaces cysteine 122 with tyrosine.
Molecular consequence: missense variant.
Genome position (GRCh38, 1-based): chr12:21,490,228, C>T on the plus strand (G>A on the coding strand, the complement: RECQL is on the minus strand). VCF-style: chr12-21490228-C-T. GRCh37 (hg19) VCF-style: chr12-21643162-C-T.
Other names: c.365G>A (NM_002907.3); c.365G>A, p.Cys122Tyr (NM_032941.3); short protein forms C122Y.
Identifiers: ClinVar variation 2902318 (VCV002902318.4), dbSNP rs572475241, ClinGen allele CA6479125.

ClinVar aggregate classification (germline): Uncertain significance. Review status: criteria provided, multiple submitters, no conflicts (2 of 4 stars). 2 submissions from 2 submitters: Uncertain significance (2). Last evaluated 2024-10-23.

Allele frequency attached by ClinVar (database versions not stated): gnomAD exomes below 0.00001; ExAC 0.00001; gnomAD 0.00001; 1000 Genomes Project 30x 0.00016; 1000 Genomes Project 0.00020.

Submissions (2):

Labcorp Genetics (formerly Invitae), Labcorp
Classification: Uncertain significance. Last evaluated: 2024-10-23. Review status: criteria provided, single submitter. Criteria: Invitae Variant Classification Sherloc (09022015). Collection method: clinical testing. Allele origin: germline.
Comment: This sequence change replaces cysteine, which is neutral and slightly polar, with tyrosine, which is neutral and polar, at codon 122 of the RECQL protein (p.Cys122Tyr). This variant is present in population databases (rs572475241, gnomAD 0.003%). This variant has not been reported in the literature in individuals affected with RECQL-related conditions. Invitae Evidence Modeling of protein sequence and biophysical properties (such as structural, functional, and spatial information, amino acid conservation, physicochemical variation, residue mobility, and thermodynamic stability) indicates that this missense variant is expected to disrupt RECQL protein function with a positive predictive value of 80%. In summary, the available evidence is currently insufficient to determine the role of this variant in disease. Therefore, it has been classified as a Variant of Uncertain Significance.

Ambry Genetics
Classification: Uncertain significance. Last evaluated: 2023-12-07. Review status: criteria provided, single submitter. Criteria: Ambry Variant Classification Scheme 2023. Collection method: clinical testing. Allele origin: germline.
Comment: The p.C122Y variant (also known as c.365G>A), located in coding exon 3 of the RECQL gene, results from a G to A substitution at nucleotide position 365. The cysteine at codon 122 is replaced by tyrosine, an amino acid with highly dissimilar properties. This amino acid position is conserved. In addition, this alteration is predicted to be deleterious by in silico analysis. Since supporting evidence is limited at this time, the clinical significance of this alteration remains unclear.